The following is an entry in ClinVar:

ClinVar aggregate classification (germline): Pathogenic (1 of 4 stars; one submission).

Conditions:
Marfan syndrome (MFS). Also called: MARFAN SYNDROME, TYPE I; Marfan syndrome type 1; Marfan's syndrome; Marfan syndrome, classic; FBN1-Related Marfan Syndrome. Identifiers: Orphanet 284963, Orphanet 558, MedGen C0024796, MONDO:0007947, OMIM 154700.
Familial thoracic aortic aneurysm and aortic dissection (TAAD). Also called: Thoracic aortic aneurysms and dissections. Identifiers: Orphanet 91387, MedGen C4707243, MONDO:0019625.

Submission:

Labcorp Genetics (formerly Invitae), Labcorp
Classification: Pathogenic for Marfan syndrome; Familial thoracic aortic aneurysm and aortic dissection. Last evaluated: 2024-06-19. Review status: criteria provided, single submitter. Criteria: Invitae Variant Classification Sherloc (09022015). Collection method: clinical testing. Allele origin: germline.
Comment: This sequence change creates a premature translational stop signal (p.Glu178*) in the FBN1 gene. It is expected to result in an absent or disrupted protein product. Loss-of-function variants in FBN1 are known to be pathogenic (PMID: 17657824, 19293843). This variant is not present in population databases (gnomAD no frequency). This premature translational stop signal has been observed in individual(s) with Marfan syndrome (PMID: 22406088). For these reasons, this variant has been classified as Pathogenic.

Literature cited by the submitters: PubMed 17657824; PubMed 19293843; PubMed 22406088.

NM_000138.5(FBN1):c.532G>T (p.Glu178Ter)

Gene: FBN1 (fibrillin 1; minus strand). Cytogenetic location: 15q21.1.
Variant type: single nucleotide variant.
Coding change: c.532G>T on transcript NM_000138.5 (MANE Select); coding-DNA position 532, G replaced by T.
Protein change: p.Glu178Ter; replaces glutamic acid 178 with a stop codon.
Molecular consequence: nonsense.
Genome position (GRCh38, 1-based): chr15:48,596,289, C>A on the plus strand (G>T on the coding strand, the complement: FBN1 is on the minus strand). VCF-style: chr15-48596289-C-A. GRCh37 (hg19) VCF-style: chr15-48888486-C-A.
Other names: c.532G>T, p.Glu178Ter (NM_001406716.1, NM_001406717.1); short protein forms E178*.
Identifiers: ClinVar variation 3756867 (VCV003756867.2).